The following is an entry in ClinVar:

NM_015450.3(POT1):c.629T>G (p.Ile210Ser)

Gene: POT1 (protection of telomeres 1; minus strand). Cytogenetic location: 7q31.33.
Variant type: single nucleotide variant.
Coding change: c.629T>G on transcript NM_015450.3 (MANE Select); coding-DNA position 629, T replaced by G.
Protein change: p.Ile210Ser; replaces isoleucine 210 with serine.
Molecular consequence: missense variant. On other transcripts: non-coding transcript variant (3).
Genome position (GRCh38, 1-based): chr7:124,859,030, A>C on the plus strand (T>G on the coding strand, the complement: POT1 is on the minus strand). VCF-style: chr7-124859030-A-C. GRCh37 (hg19) VCF-style: chr7-124499084-A-C.
Other names: c.236T>G, p.Ile79Ser (NM_001042594.2); short protein forms I210S, I79S.
Identifiers: ClinVar variation 3423120 (VCV003423120.1).

ClinVar aggregate classification (germline): Uncertain significance (1 of 4 stars; one submission).

Conditions:
Hereditary cancer-predisposing syndrome. Also called: Neoplastic Syndromes, Hereditary; Tumor predisposition; Hereditary Cancer Syndrome; Hereditary neoplastic syndrome. Identifiers: Orphanet 140162, MedGen C0027672, MeSH D009386, MONDO:0015356.

Submission:

Ambry Genetics
Classification: Uncertain significance for Hereditary cancer-predisposing syndrome. Last evaluated: 2024-08-30. Review status: criteria provided, single submitter. Criteria: Ambry Variant Classification Scheme 2023. Collection method: clinical testing. Allele origin: germline.
Comment: The p.I210S variant (also known as c.629T>G), located in coding exon 5 of the POT1 gene, results from a T to G substitution at nucleotide position 629. The isoleucine at codon 210 is replaced by serine, an amino acid with dissimilar properties. This amino acid position is conserved. In addition, this alteration is predicted to be tolerated by in silico analysis. Based on the available evidence, the clinical significance of this variant remains unclear.